The following is an entry in ClinVar:

NM_015192.4(PLCB1):c.2764C>T (p.Leu922Phe)

Gene: PLCB1 (phospholipase C beta 1; plus strand). Cytogenetic location: 20p12.3.
Variant type: single nucleotide variant.
Coding change: c.2764C>T on transcript NM_015192.4 (MANE Select); coding-DNA position 2764, C replaced by T.
Protein change: p.Leu922Phe; replaces leucine 922 with phenylalanine.
Molecular consequence: missense variant.
Genome position (GRCh38, 1-based): chr20:8,765,192, C>T. VCF-style: chr20-8765192-C-T. GRCh37 (hg19) VCF-style: chr20-8745839-C-T.
Other names: c.2764C>T, p.Leu922Phe (NM_182734.3); short protein forms L922F.
Identifiers: ClinVar variation 1795725 (VCV001795725.2), dbSNP rs2515335957, ClinGen allele CA408208598.
Genomic context (GRCh38, chr20:8,765,192, plus strand): 5'-GTTGCAGAAGTGGAAGCACAGACCATCGAAGAACTAAAGCAACAGAAATCGTTTGTGAAA[C>T]TTCAAAAGAAACACTACAAAGAAATGAAAGACCTGGTTAAGAGACACCACAAGAAAACCA-3'
Protein context (NP_056007.1, residues 912-932): ELKQQKSFVK[Leu922Phe]QKKHYKEMKD

ClinVar aggregate classification (germline): Uncertain significance (1 of 4 stars; one submission).

Conditions:
Inborn genetic diseases. Identifiers: MedGen C0950123, MeSH D030342.

Submission:

Ambry Genetics
Classification: Uncertain significance for Inborn genetic diseases. Last evaluated: 2020-02-21. Review status: criteria provided, single submitter. Criteria: Ambry Variant Classification Scheme 2023. Collection method: clinical testing. Allele origin: germline.
Comment: The p.L922F variant (also known as c.2764C>T), located in coding exon 26 of the PLCB1 gene, results from a C to T substitution at nucleotide position 2764. The leucine at codon 922 is replaced by phenylalanine, an amino acid with highly similar properties. This amino acid position is well conserved in available vertebrate species. In addition, this alteration is predicted to be tolerated by in silico analysis. Since supporting evidence is limited at this time, the clinical significance of this alteration remains unclear.